The following is an entry in ClinVar:

ClinVar aggregate classification (germline): Pathogenic (1 of 4 stars; one submission).

Conditions:
Marfan syndrome (MFS). Also called: Marfan syndrome type 1; Marfan's syndrome; FBN1-Related Marfan Syndrome; MARFAN SYNDROME, TYPE I; Marfan syndrome, classic. Identifiers: Orphanet 284963, Orphanet 558, MedGen C0024796, MONDO:0007947, OMIM 154700.

Submission:

Centre of Medical Genetics, University of Antwerp
Classification: Pathogenic for Marfan syndrome. Last evaluated: 2021-03-01. Review status: criteria provided, single submitter. Criteria: Submitter's publication. Collection method: research. Allele origin: unknown. Affected: yes.
Comment: PM2, PVS1, PP4

NM_000138.5(FBN1):c.2696_2697dup (p.Tyr900fs)

Gene: FBN1 (fibrillin 1; minus strand). Cytogenetic location: 15q21.1.
Variant type: Duplication.
Coding change: c.2696_2697dup on transcript NM_000138.5 (MANE Select); coding-DNA positions 2696 to 2697, 2 bases duplicated (GG; older notation c.2696_2697dupGG).
Protein change: p.Tyr900fs; shifts the reading frame from tyrosine 900.
Molecular consequence: frameshift variant.
Genome position (GRCh38, 1-based): chr15:48,494,235-48,494,236, CC duplicated on the plus strand (GG on the coding strand, the reverse complement: FBN1 is on the minus strand); duplicating any 2 consecutive bases within chr15:48,494,235-48,494,237 gives the same sequence; the c. name uses the placement nearest the transcript's 3' end. VCF-style (leftmost placement, unchanged base first): chr15-48494234-A-ACC. GRCh37 (hg19) VCF-style: chr15-48786431-A-ACC.
Other names: c.2696_2697dup, p.Tyr900fs (NM_001406716.1); c.2696_2697dup (NM_000138.4); short protein forms Y900fs.
Identifiers: ClinVar variation 1325484 (VCV001325484.2), dbSNP rs2141302411, ClinGen allele CA2573150791.